The following is an entry in ClinVar:

ClinVar aggregate classification (germline): Uncertain significance (1 of 4 stars; one submission).

gnomAD v4.1: 378 of 1,614,052 alleles (0.023%); highest among the groups gnomAD compares: Non-Finnish European, 0.03%; no homozygotes.

Submission:

CeGaT Center for Human Genetics Tuebingen
Classification: Uncertain significance. Last evaluated: 2025-12-01. Review status: criteria provided, single submitter. Criteria: CeGaT Center For Human Genetics Tuebingen Variant Classification Criteria Version 2. Collection method: clinical testing. Allele origin: germline. Affected: yes. Observed: 1 variant allele.
Comment: SARDH: PM2

NM_001134707.2(SARDH):c.1739A>G (p.Tyr580Cys)

Gene: SARDH (sarcosine dehydrogenase; minus strand). Cytogenetic location: 9q34.2.
Variant type: single nucleotide variant.
Coding change: c.1739A>G on transcript NM_001134707.2 (MANE Select); coding-DNA position 1739, A replaced by G.
Protein change: p.Tyr580Cys; replaces tyrosine 580 with cysteine.
Molecular consequence: missense variant.
Genome position (GRCh38, 1-based): chr9:133,696,291, T>C on the plus strand (A>G on the coding strand, the complement: SARDH is on the minus strand). VCF-style: chr9-133696291-T-C. GRCh37 (hg19) VCF-style: chr9-136561413-T-C.
Other names: c.1739A>G, p.Tyr580Cys (NM_007101.4); short protein forms Y580C.
Identifiers: ClinVar variation 4681522 (VCV004681522.5).